The following is an entry in ClinVar:

NM_000371.4(TTR):c.69G>A (p.Thr23=)

Gene: TTR (transthyretin; plus strand). Cytogenetic location: 18q12.1.
Variant type: single nucleotide variant.
Coding change: c.69G>A on transcript NM_000371.4 (MANE Select); coding-DNA position 69, G replaced by A.
Protein change: p.Thr23=; no amino-acid change (threonine 23 retained).
Molecular consequence: synonymous variant.
Genome position (GRCh38, 1-based): chr18:31,591,971, G>A. VCF-style: chr18-31591971-G-A. GRCh37 (hg19) VCF-style: chr18-29171934-G-A.
Identifiers: ClinVar variation 669808 (VCV000669808.8), dbSNP rs752579437, ClinGen allele CA8928382.

ClinVar aggregate classification (germline): Conflicting classifications of pathogenicity. Review status: criteria provided, conflicting classifications (1 of 4 stars). 4 submissions from 4 submitters: Uncertain significance (3); Likely benign (1). Last evaluated 2025-08-03.

Conditions:
Cardiovascular phenotype. Identifiers: MedGen CN230736.
Amyloidosis, hereditary systemic 1 (AMYLD1). Also called: Familial amyloid polyneuropathy; Transthyretin Amyloidosis; Hereditary oculoleptomeningeal amyloid angiopathy; Familial Transthyretin Amyloidosis; Isolated Cardiac Amyloidosis; Amyloid Cardiomyopathy, Transthyretin-related. Identifiers: Orphanet 85447, Orphanet 85451, MedGen C2751492, MONDO:0971004, OMIM 105210.

Allele frequency attached by ClinVar (database versions not stated): TOPMed below 0.00001; ExAC 0.00001; gnomAD 0.00001; gnomAD exomes 0.00001.
gnomAD v4.1: 8 of 1,613,896 alleles (0.0005%); highest among the groups gnomAD compares: African/African-American, 0.0013%; no homozygotes.

Submissions (4):

Labcorp Genetics (formerly Invitae), Labcorp
Classification: Uncertain significance for Amyloidosis, hereditary systemic 1. Last evaluated: 2025-08-03. Review status: criteria provided, single submitter. Criteria: Invitae Variant Classification Sherloc (09022015). Collection method: clinical testing. Allele origin: germline.
Comment: This sequence change affects codon 23 of the TTR mRNA. It is a 'silent' change, meaning that it does not change the encoded amino acid sequence of the TTR protein. This variant also falls at the last nucleotide of exon 1, which is part of the consensus splice site for this exon. This variant is present in population databases (rs752579437, gnomAD 0.002%). This variant has not been reported in the literature in individuals affected with TTR-related conditions. ClinVar contains an entry for this variant (Variation ID: 669808). Variants that disrupt the consensus splice site are a relatively common cause of aberrant splicing (PMID: 17576681, 9536098). Algorithms developed to predict the effect of sequence changes on RNA splicing suggest that this variant may disrupt the consensus splice site. In summary, the available evidence is currently insufficient to determine the role of this variant in disease. Therefore, it has been classified as a Variant of Uncertain Significance.

Ambry Genetics
Classification: Uncertain significance for Cardiovascular phenotype. Last evaluated: 2024-09-17. Review status: criteria provided, single submitter. Criteria: Ambry Variant Classification Scheme 2023. Collection method: clinical testing. Allele origin: germline.
Comment: The c.69G>A variant (also known as p.T23T), located in coding exon 1 of the TTR gene, results from a G to A substitution at nucleotide position 69. This nucleotide substitution does not change the amino acid at codon 23. However, this change occurs in the last base pair of coding exon 1, which makes it likely to have some effect on normal mRNA splicing. This nucleotide position is highly conserved in available vertebrate species. In silico splice site analysis for this alteration is inconclusive. Since supporting evidence is limited at this time, the clinical significance of this alteration remains unclear.

Women's Health and Genetics/Laboratory Corporation of America, LabCorp
Classification: Uncertain significance. Last evaluated: 2022-11-12. Review status: criteria provided, single submitter. Criteria: LabCorp Variant Classification Summary - May 2015. Collection method: clinical testing. Allele origin: germline.

GeneDx
Classification: Likely benign. Last evaluated: 2018-03-27. Review status: criteria provided, single submitter. Criteria: GeneDx Variant Classification (06012015). Collection method: clinical testing. Allele origin: germline. Affected: yes.
Comment: This variant is considered likely benign or benign based on one or more of the following criteria: it is a conservative change, it occurs at a poorly conserved position in the protein, it is predicted to be benign by multiple in silico algorithms, and/or has population frequency not consistent with disease.

Literature cited by the submitters: PubMed 17576681 (cited by Labcorp Genetics (formerly Invitae), Labcorp); PubMed 9536098 (cited by Labcorp Genetics (formerly Invitae), Labcorp).